The following is an entry in ClinVar:

NC_000015.9:g.(?_25584284)_(25620930_?)dup

Gene: UBE3A (ubiquitin protein ligase E3A; minus strand). Cytogenetic location: 15q11.2.
Variant type: Duplication.
Identifiers: ClinVar variation 1412682 (VCV001412682.4).

ClinVar aggregate classification (germline): Uncertain significance (1 of 4 stars; one submission).

Conditions:
Angelman syndrome (AS). Also called: HAPPY PUPPET SYNDROME. Identifiers: Orphanet 72, MedGen C0162635, MONDO:0007113, OMIM 105830. Disease mechanism: loss of function. Inheritance: AS is caused by disruption of maternally imprinted UBE3A located within the 15q11.2-q13 Angelman syndrome/Prader-Willi syndrome (AS/PWS) region., imprinting disorder.

Submission:

Labcorp Genetics (formerly Invitae), Labcorp
Classification: Uncertain significance for Angelman syndrome. Last evaluated: 2021-09-06. Review status: criteria provided, single submitter. Criteria: Invitae Variant Classification Sherloc (09022015). Collection method: clinical testing. Allele origin: germline.
Comment: In summary, the available evidence is currently insufficient to determine the role of this variant in disease. Therefore, it has been classified as a Variant of Uncertain Significance. Experimental studies and prediction algorithms are not available or were not evaluated, and the functional significance of this variant is currently unknown. This variant has not been reported in the literature in individuals affected with UBE3A-related conditions. This variant results in a copy number gain of the genomic region encompassing exon(s) 2-10 of the UBE3A gene. This region includes the termination codon of the gene. This copy number gain extends beyond the assayed region for this gene and therefore may encompass additional genes. As the precise location of this event is unknown, it may be in tandem or it may be located elsewhere in the genome.